The following is an entry in ClinVar:

ClinVar aggregate classification (germline): Uncertain significance (1 of 4 stars; one submission).

Allele frequency attached by ClinVar (database versions not stated): gnomAD exomes below 0.00001.
gnomAD v4.1: 1 of 1,613,898 alleles (0.000062%); highest among the groups gnomAD compares: Admixed American, 0.0017%; no homozygotes.

Submission:

Labcorp Genetics (formerly Invitae), Labcorp
Classification: Uncertain significance. Last evaluated: 2023-12-10. Review status: criteria provided, single submitter. Criteria: Invitae Variant Classification Sherloc (09022015). Collection method: clinical testing. Allele origin: germline.
Comment: This sequence change replaces alanine, which is neutral and non-polar, with valine, which is neutral and non-polar, at codon 2394 of the DCHS1 protein (p.Ala2394Val). This variant is present in population databases (no rsID available, gnomAD 0.003%). This variant has not been reported in the literature in individuals affected with DCHS1-related conditions. Advanced modeling of protein sequence and biophysical properties (such as structural, functional, and spatial information, amino acid conservation, physicochemical variation, residue mobility, and thermodynamic stability) performed at Invitae indicates that this missense variant is not expected to disrupt DCHS1 protein function with a negative predictive value of 80%. In summary, the available evidence is currently insufficient to determine the role of this variant in disease. Therefore, it has been classified as a Variant of Uncertain Significance.

NM_003737.4(DCHS1):c.7181C>T (p.Ala2394Val)

Gene: DCHS1 (dachsous cadherin-related 1; minus strand). Cytogenetic location: 11p15.4.
Variant type: single nucleotide variant.
Coding change: c.7181C>T on transcript NM_003737.4 (MANE Select); coding-DNA position 7181, C replaced by T.
Protein change: p.Ala2394Val; replaces alanine 2394 with valine.
Molecular consequence: missense variant.
Genome position (GRCh38, 1-based): chr11:6,624,834, G>A on the plus strand (C>T on the coding strand, the complement: DCHS1 is on the minus strand). VCF-style: chr11-6624834-G-A. GRCh37 (hg19) VCF-style: chr11-6646065-G-A.
Other names: short protein forms A2394V.
Identifiers: ClinVar variation 2702131 (VCV002702131.3), dbSNP rs1200370785, ClinGen allele CA379483616.
Genomic context (GRCh38, chr11:6,624,834, plus strand): 5'-TGGTAGGAAATGTGACCGTTGGCACCTGAGTCCCGATCAGTGGCAGAGACGGAGAGAATG[G>A]CACTGCCTGGGGGTGTGTGCTCAAGCAGCATTACCTGAAGTGTGAGGAAAAGTGCTTATT-3'
Protein context (NP_003728.1, residues 2384-2404): MLLEHTPPGS[Ala2394Val]ILSVSATDRD